The following is an entry in ClinVar:

NM_018006.5(TRMU):c.260_263del (p.Asn87fs)

Gene: TRMU (tRNA mitochondrial 2-thiouridylase; plus strand). Cytogenetic location: 22q13.31.
Variant type: Deletion.
Coding change: c.260_263del on transcript NM_018006.5 (MANE Select); coding-DNA positions 260 to 263, 4 bases deleted (ATGA; older notation c.260_263delATGA).
Protein change: p.Asn87fs; shifts the reading frame from asparagine 87.
Molecular consequence: frameshift variant. On other transcripts: non-coding transcript variant (1), intron variant (3).
Genome position (GRCh38, 1-based): chr22:46,343,273-46,343,276, ATGA deleted; deleting any 4 consecutive bases within chr22:46,343,270-46,343,276 gives the same sequence; the c. name uses the placement nearest the transcript's 3' end. VCF-style (leftmost placement, unchanged base first): chr22-46343269-TTGAA-T. GRCh37 (hg19) VCF-style: chr22-46739166-TTGAA-T.
Other names: c.260_263delATGA, p.Asn87Serfs (NM_001008568.2); c.260_263del, p.Asn87fs (NM_001282785.2); c.14-3149_14-3146del (NM_001282782.2); c.-6-3149_-6-3146del (NM_001282783.2, NM_001282784.2); short protein forms N87fs.
Identifiers: ClinVar variation 2013097 (VCV002013097.5), dbSNP rs749895492, ClinGen allele CA10292001.

ClinVar aggregate classification (germline): Pathogenic/Likely pathogenic. Review status: criteria provided, multiple submitters, no conflicts (2 of 4 stars). 2 submissions from 2 submitters: Pathogenic (1); Likely pathogenic (1). Last evaluated 2023-10-25.

Conditions:
Aminoglycoside-induced deafness. Also called: STREPTOMYCIN OTOTOXICITY; MT-RNR1-Related Hearing Loss and Deafness; DEAFNESS, STREPTOMYCIN-INDUCED. Identifiers: Orphanet 168609, MedGen C1838854, MONDO:0010799, OMIM 580000.

Submissions (2):

Labcorp Genetics (formerly Invitae), Labcorp
Classification: Pathogenic. Last evaluated: 2023-10-25. Review status: criteria provided, single submitter. Criteria: Invitae Variant Classification Sherloc (09022015). Collection method: clinical testing. Allele origin: germline.
Comment: This sequence change creates a premature translational stop signal (p.Asn87Serfs*12) in the TRMU gene. It is expected to result in an absent or disrupted protein product. Loss-of-function variants in TRMU are known to be pathogenic (PMID: 19732863, 23625533). This variant is present in population databases (rs749895492, gnomAD 0.0009%). This variant has not been reported in the literature in individuals affected with TRMU-related conditions. ClinVar contains an entry for this variant (Variation ID: 2013097). For these reasons, this variant has been classified as Pathogenic.

Baylor Genetics
Classification: Likely pathogenic for Aminoglycoside-induced deafness. Last evaluated: 2022-06-01. Review status: criteria provided, single submitter. Criteria: ACMG Guidelines, 2015. Collection method: clinical testing. Allele origin: unknown.

Literature cited by the submitters: PubMed 19732863 (cited by Labcorp Genetics (formerly Invitae), Labcorp); PubMed 23625533 (cited by Labcorp Genetics (formerly Invitae), Labcorp).